The following is an entry in ClinVar:

NM_032977.4(CASP10):c.1169C>T (p.Ala390Val)

Gene: CASP10 (caspase 10; plus strand). Cytogenetic location: 2q33.1.
Variant type: single nucleotide variant.
Coding change: c.1169C>T on transcript NM_032977.4 (MANE Select); coding-DNA position 1169, C replaced by T.
Protein change: p.Ala390Val; replaces alanine 390 with valine.
Molecular consequence: missense variant. On other transcripts: 3 prime UTR variant (1).
Genome position (GRCh38, 1-based): chr2:201,209,316, C>T. VCF-style: chr2-201209316-C-T. GRCh37 (hg19) VCF-style: chr2-202074039-C-T.
Other names: c.968C>T, p.Ala323Val (NM_001206524.2); c.1040C>T, p.Ala347Val (NM_001206542.2, NM_001230.5); c.1169C>T, p.Ala390Val (NM_032974.5); c.*255C>T (NM_032976.4); short protein forms A390V, A347V, A323V.
Identifiers: ClinVar variation 4782501 (VCV004782501.1).

ClinVar aggregate classification (germline): Uncertain significance (1 of 4 stars; one submission).

Conditions:
Autoimmune lymphoproliferative syndrome type 2A (ALPS2A). Also called: CASP10-Related Autoimmune Lymphoproliferative Syndrome; AUTOIMMUNE LYMPHOPROLIFERATIVE SYNDROME, TYPE IIA; Autoimmune lymphoproliferative syndrome type 2. Identifiers: Orphanet 3261, MedGen C1858968, MONDO:0011383, OMIM 603909.

gnomAD v4.1: 2 of 1,614,144 alleles (0.00012%); highest among the groups gnomAD compares: South Asian, 0.0022%; no homozygotes.

Submission:

Labcorp Genetics (formerly Invitae), Labcorp
Classification: Uncertain significance for Autoimmune lymphoproliferative syndrome type 2A. Last evaluated: 2025-03-04. Review status: criteria provided, single submitter. Criteria: Invitae Variant Classification Sherloc (09022015). Collection method: clinical testing. Allele origin: germline.
Comment: This sequence change replaces alanine, which is neutral and non-polar, with valine, which is neutral and non-polar, at codon 390 of the CASP10 protein (p.Ala390Val). This variant is present in population databases (rs759180191, gnomAD 0.003%). This variant has not been reported in the literature in individuals affected with CASP10-related conditions. Invitae Evidence Modeling of protein sequence and biophysical properties (such as structural, functional, and spatial information, amino acid conservation, physicochemical variation, residue mobility, and thermodynamic stability) indicates that this missense variant is not expected to disrupt CASP10 protein function with a negative predictive value of 80%. In summary, the available evidence is currently insufficient to determine the role of this variant in disease. Therefore, it has been classified as a Variant of Uncertain Significance.